The following is an entry in ClinVar:

ClinVar aggregate classification (germline): Uncertain significance (1 of 4 stars; one submission).

Conditions:
Autosomal recessive limb-girdle muscular dystrophy type 2O. Also called: Limb-Girdle Muscular Dystrophy Type 3C; MUSCULAR DYSTROPHY-DYSTROGLYCANOPATHY (LIMB-GIRDLE), TYPE C, 3; MUSCULAR DYSTROPHY-DYSTROGLYCANOPATHY, LIMB-GIRDLE, POMGNT1-RELATED. Identifiers: Orphanet 206564, MedGen C3150417, MONDO:0013161, OMIM 613157.
Muscular dystrophy-dystroglycanopathy (congenital with impaired intellectual development), type B, 3. Also called: Muscular dystrophy-dystroglycanopathy (congenital with intellectual disability), type B3; MUSCULAR DYSTROPHY, CONGENITAL, POMGNT1-RELATED. Identifiers: MedGen C3150412, MONDO:0013155, OMIM 613151.

Submission:

Labcorp Genetics (formerly Invitae), Labcorp
Classification: Uncertain significance for Autosomal recessive limb-girdle muscular dystrophy type 2O; Muscular dystrophy-dystroglycanopathy (congenital with impaired intellectual development), type B, 3. Last evaluated: 2022-02-17. Review status: criteria provided, single submitter. Criteria: Invitae Variant Classification Sherloc (09022015). Collection method: clinical testing. Allele origin: germline.
Comment: In summary, the available evidence is currently insufficient to determine the role of this variant in disease. Therefore, it has been classified as a Variant of Uncertain Significance. Advanced modeling of protein sequence and biophysical properties (such as structural, functional, and spatial information, amino acid conservation, physicochemical variation, residue mobility, and thermodynamic stability) performed at Invitae indicates that this missense variant is not expected to disrupt POMGNT1 protein function. This missense change has been observed in individual(s) with clinical features of POMGNT1-related conditions (Invitae). In at least one individual the data is consistent with being in trans (on the opposite chromosome) from a pathogenic variant. This variant is not present in population databases (gnomAD no frequency). This sequence change replaces tyrosine, which is neutral and polar, with aspartic acid, which is acidic and polar, at codon 104 of the POMGNT1 protein (p.Tyr104Asp).

NM_017739.4(POMGNT1):c.310T>G (p.Tyr104Asp)

Gene: POMGNT1 (protein O-linked mannose N-acetylglucosaminyltransferase 1 (beta 1,2-); minus strand). Cytogenetic location: 1p34.1.
Variant type: single nucleotide variant.
Coding change: c.310T>G on transcript NM_017739.4 (MANE Select); coding-DNA position 310, T replaced by G.
Protein change: p.Tyr104Asp; replaces tyrosine 104 with aspartic acid.
Molecular consequence: missense variant. On other transcripts: 5 prime UTR variant (1).
Genome position (GRCh38, 1-based): chr1:46,196,775, A>C on the plus strand (T>G on the coding strand, the complement: POMGNT1 is on the minus strand). VCF-style: chr1-46196775-A-C. GRCh37 (hg19) VCF-style: chr1-46662447-A-C.
Other names: c.310T>G, p.Tyr104Asp (NM_001243766.2, NM_001410783.1); c.244T>G, p.Tyr82Asp (NM_001290129.3); c.-120T>G (NM_001290130.2); short protein forms Y104D, Y82D.
Identifiers: ClinVar variation 1493684 (VCV001493684.6), dbSNP rs2148217123, ClinGen allele CA340191615.